The following is an entry in ClinVar:

ClinVar aggregate classification (germline): Uncertain significance. Review status: criteria provided, multiple submitters, no conflicts (2 of 4 stars). 2 submissions from 2 submitters: Uncertain significance (2). Last evaluated 2023-11-16.

Conditions:
Breast-ovarian cancer, familial, susceptibility to, 4. Identifiers: Orphanet 145, MedGen C3280345, MONDO:0013669, OMIM 614291.

gnomAD v4.1: 1 of 1,614,232 alleles (0.000062%); highest among the groups gnomAD compares: Non-Finnish European, 0.000085%; no homozygotes.

Submissions (2):

Baylor Genetics
Classification: Uncertain significance for Breast-ovarian cancer, familial, susceptibility to, 4. Last evaluated: 2023-11-16. Review status: criteria provided, single submitter. Criteria: ACMG Guidelines, 2015. Collection method: clinical testing. Allele origin: unknown.

Labcorp Genetics (formerly Invitae), Labcorp
Classification: Uncertain significance for Breast-ovarian cancer, familial, susceptibility to, 4. Last evaluated: 2020-10-29. Review status: criteria provided, single submitter. Criteria: Invitae Variant Classification Sherloc (09022015). Collection method: clinical testing. Allele origin: germline.
Comment: In summary, the available evidence is currently insufficient to determine the role of this variant in disease. Therefore, it has been classified as a Variant of Uncertain Significance. Algorithms developed to predict the effect of sequence changes on RNA splicing suggest that this variant may create or strengthen a splice site, but this prediction has not been confirmed by published transcriptional studies. Algorithms developed to predict the effect of missense changes on protein structure and function are either unavailable or do not agree on the potential impact of this missense change (SIFT: "Deleterious"; PolyPhen-2: "Probably Damaging"; Align-GVGD: "Class C0"). This variant has not been reported in the literature in individuals with RAD51D-related conditions. This variant is not present in population databases (ExAC no frequency). This sequence change replaces leucine with glutamine at codon 58 of the RAD51D protein (p.Leu58Gln). The leucine residue is moderately conserved and there is a moderate physicochemical difference between leucine and glutamine.

NM_002878.4(RAD51D):c.173T>A (p.Leu58Gln)

Genes: RAD51L3-RFFL (RAD51L3-RFFL readthrough; minus strand), RAD51D (RAD51 paralog D; minus strand). Cytogenetic location: 17q12.
Variant type: single nucleotide variant.
Coding change: c.173T>A on transcript NM_002878.4 (MANE Select); coding-DNA position 173, T replaced by A.
Protein change: p.Leu58Gln; replaces leucine 58 with glutamine.
Molecular consequence: missense variant. On other transcripts: intron variant (2).
Genome position (GRCh38, 1-based): chr17:35,118,591, A>T on the plus strand (T>A on the coding strand, the complement: RAD51D is on the minus strand). VCF-style: chr17-35118591-A-T. GRCh37 (hg19) VCF-style: chr17-33445610-A-T.
Other names: c.144+520T>A (NM_133629.3, NM_001142571.2); short protein forms L58Q.
Identifiers: ClinVar variation 998722 (VCV000998722.9), dbSNP rs2091778221, ClinGen allele CA399091518.